The following is an entry in ClinVar:

GRCh38/hg38 15q11.2-13.1(chr15:23537429-28269468)x1

Genes: PWAR6 (Prader Willi/Angelman region RNA 6; plus strand), PWARSN (Prader Willi/Angelman region RNA, SNRPN neighbor; plus strand), PWRN1 (Prader-Willi region non-protein coding RNA 1; plus strand), PWRN2 (Prader-Willi region non-protein coding RNA 2; minus strand), PWRN3 (Prader-Willi region non-protein coding RNA 3; plus strand) and 137 more. Cytogenetic location: 15q11.2-13.1.
Variant type: copy number loss.
Change: copy number 1 (one copy instead of two) of chr15:23,537,429-28,269,468 (4.73 Mb, GRCh38 coordinates, 1-based), cytogenetic band 15q11.2-13.1.
Identifiers: ClinVar variation 58634 (VCV000058634.2).

ClinVar aggregate classification (germline): Pathogenic (1 of 4 stars; one submission).

Submission:

ISCA Site 6
Classification: Pathogenic. Last evaluated: 2011-08-12. Review status: criteria provided, single submitter. Criteria: Kaminsky et al. (Genet Med. 2011). Collection method: clinical testing. Allele origin: unknown. Affected: yes. Observed: 1 variant allele.
Comment: Copy number variation identified through the course of routine clinical cytogenomic testing in postnatal populations. Clinical assertions have been curated as described in Kaminsky et al. 2011.